The following is an entry in ClinVar:

ClinVar aggregate classification (germline): Uncertain significance (1 of 4 stars; one submission).

Allele frequency attached by ClinVar (database versions not stated): gnomAD 0.00001; TOPMed 0.00001; gnomAD exomes 0.00002.
gnomAD v4.1: 25 of 1,605,544 alleles (0.0016%); highest among the groups gnomAD compares: African/African-American, 0.004%; no homozygotes.

Submission:

Labcorp Genetics (formerly Invitae), Labcorp
Classification: Uncertain significance. Last evaluated: 2022-12-22. Review status: criteria provided, single submitter. Criteria: Invitae Variant Classification Sherloc (09022015). Collection method: clinical testing. Allele origin: germline.
Comment: In summary, the available evidence is currently insufficient to determine the role of this variant in disease. Therefore, it has been classified as a Variant of Uncertain Significance. Advanced modeling of protein sequence and biophysical properties (such as structural, functional, and spatial information, amino acid conservation, physicochemical variation, residue mobility, and thermodynamic stability) has been performed at Invitae for this missense variant, however the output from this modeling did not meet the statistical confidence thresholds required to predict the impact of this variant on DNA2 protein function. This variant has not been reported in the literature in individuals affected with DNA2-related conditions. This variant is present in population databases (no rsID available, gnomAD 0.01%). This sequence change replaces histidine, which is basic and polar, with arginine, which is basic and polar, at codon 285 of the DNA2 protein (p.His285Arg).

NM_001080449.3(DNA2):c.854A>G (p.His285Arg)

Gene: DNA2 (DNA replication helicase/nuclease 2; minus strand). Cytogenetic location: 10q21.3.
Variant type: single nucleotide variant.
Coding change: c.854A>G on transcript NM_001080449.3 (MANE Select); coding-DNA position 854, A replaced by G.
Protein change: p.His285Arg; replaces histidine 285 with arginine.
Molecular consequence: missense variant. On other transcripts: non-coding transcript variant (1).
Genome position (GRCh38, 1-based): chr10:68,450,113, T>C on the plus strand (A>G on the coding strand, the complement: DNA2 is on the minus strand). VCF-style: chr10-68450113-T-C. GRCh37 (hg19) VCF-style: chr10-70209870-T-C.
Other names: short protein forms H285R.
Identifiers: ClinVar variation 1944578 (VCV001944578.5), dbSNP rs1261029736, ClinGen allele CA376863831.